The following is an entry in ClinVar:

ClinVar aggregate classification (germline): Conflicting classifications of pathogenicity. Review status: criteria provided, conflicting classifications (1 of 4 stars). 2 submissions from 2 submitters: Uncertain significance (1); Likely benign (1). Last evaluated 2024-12-11.

Conditions:
Inborn genetic diseases. Identifiers: MedGen C0950123, MeSH D030342.

gnomAD v4.1: 131 of 1,597,636 alleles (0.0082%); highest among the groups gnomAD compares: South Asian, 0.064%; 1 homozygote.

Submissions (2):

Ambry Genetics
Classification: Likely benign for Inborn genetic diseases. Last evaluated: 2024-12-11. Review status: criteria provided, single submitter. Criteria: Ambry Variant Classification Scheme 2023. Collection method: clinical testing. Allele origin: germline.

Labcorp Genetics (formerly Invitae), Labcorp
Classification: Uncertain significance. Last evaluated: 2024-10-24. Review status: criteria provided, single submitter. Criteria: Invitae Variant Classification Sherloc (09022015). Collection method: clinical testing. Allele origin: germline.
Comment: This sequence change replaces arginine, which is basic and polar, with glutamine, which is neutral and polar, at codon 1435 of the MAPKBP1 protein (p.Arg1435Gln). The frequency data for this variant in the population databases is considered unreliable, as metrics indicate poor data quality at this position in the gnomAD database. This variant has not been reported in the literature in individuals affected with MAPKBP1-related conditions. An algorithm developed to predict the effect of missense changes on protein structure and function outputs the following: PolyPhen-2: "Benign". The glutamine amino acid residue is found in multiple mammalian species, which suggests that this missense change does not adversely affect protein function. In summary, the available evidence is currently insufficient to determine the role of this variant in disease. Therefore, it has been classified as a Variant of Uncertain Significance.

NM_014994.3(MAPKBP1):c.4286G>A (p.Arg1429Gln)

Gene: MAPKBP1 (mitogen-activated protein kinase binding protein 1; plus strand). Cytogenetic location: 15q15.1.
Variant type: single nucleotide variant.
Coding change: c.4286G>A on transcript NM_014994.3 (MANE Select); coding-DNA position 4286, G replaced by A.
Protein change: p.Arg1429Gln; replaces arginine 1429 with glutamine.
Molecular consequence: missense variant. On other transcripts: non-coding transcript variant (2).
Genome position (GRCh38, 1-based): chr15:41,824,556, G>A. VCF-style: chr15-41824556-G-A. GRCh37 (hg19) VCF-style: chr15-42116754-G-A.
Other names: c.4304G>A, p.Arg1435Gln (NM_001128608.2); c.3455G>A, p.Arg1152Gln (NM_001265611.2); c.4304G>A (NM_001128608.1); short protein forms R1435Q, R1429Q, R1152Q.
Identifiers: ClinVar variation 3709080 (VCV003709080.3).